The following is an entry in ClinVar:

ClinVar aggregate classification (germline): Likely benign. Review status: criteria provided, multiple submitters, no conflicts (2 of 4 stars). 3 submissions from 3 submitters: Likely benign (3). Last evaluated 2026-01-15.

Conditions:
Joubert syndrome 23 (JBTS23). Identifiers: Orphanet 475, MedGen C4084822, MONDO:0014664, OMIM 616490.
Short-rib thoracic dysplasia 14 with polydactyly (SRTD14). Identifiers: Orphanet 397715, MedGen C4225286, MONDO:0014688, OMIM 616546.

Allele frequency attached by ClinVar (database versions not stated): ExAC 0.00031; gnomAD exomes 0.00032 and 0.00069; gnomAD 0.00033 and 0.00034; TOPMed 0.00041; ESP Exome Variant Server 0.00077.

Submissions (3):

Labcorp Genetics (formerly Invitae), Labcorp
Classification: Likely benign for Joubert syndrome 23; Short-rib thoracic dysplasia 14 with polydactyly. Last evaluated: 2026-01-15. Review status: criteria provided, single submitter. Criteria: Invitae Variant Classification Sherloc (09022015). Collection method: clinical testing. Allele origin: germline.

CeGaT Center for Human Genetics Tuebingen
Classification: Likely benign. Last evaluated: 2025-11-01. Review status: criteria provided, single submitter. Criteria: CeGaT Center For Human Genetics Tuebingen Variant Classification Criteria Version 2. Collection method: clinical testing. Allele origin: germline. Affected: yes. Observed: 1 variant allele.
Comment: KIAA0586: PM2, BP4, BS2

Blueprint Genetics
Classification: Likely benign. Last evaluated: 2024-10-24. Review status: criteria provided, single submitter. Criteria: ACMG Guidelines, 2015. Collection method: clinical testing. Allele origin: germline.

NM_001329943.3(KIAA0586):c.3781+8A>G

Gene: KIAA0586 (KIAA0586; plus strand). Cytogenetic location: 14q23.1.
Variant type: single nucleotide variant.
Coding change: c.3781+8A>G on transcript NM_001329943.3 (MANE Select); 8 bases into the intron after coding-DNA position 3781, A replaced by G.
Molecular consequence: intron variant.
Genome position (GRCh38, 1-based): chr14:58,488,882, A>G. VCF-style: chr14-58488882-A-G. GRCh37 (hg19) VCF-style: chr14-58955600-A-G.
Other names: c.3940+8A>G (NM_001244189.2); c.3736+8A>G (NM_001244190.2); c.3649+8A>G (NM_001244192.2); c.3526+8A>G (NM_001244191.2, NM_001364701.2, NM_001329945.2 and 1 more transcripts); c.3781+8A>G (NM_001329944.2, NM_001329946.2, NM_001329947.2); c.3553+8A>G (NM_014749.5); c.3361+8A>G (NM_001244193.2).
Identifiers: ClinVar variation 772150 (VCV000772150.17), dbSNP rs368737744, ClinGen allele CA7206249.